The following is an entry in ClinVar:

NM_000179.3(MSH6):c.538G>A (p.Asp180Asn)

Gene: MSH6 (mutS homolog 6; plus strand). Cytogenetic location: 2p16.3.
Variant type: single nucleotide variant.
Coding change: c.538G>A on transcript NM_000179.3 (MANE Select); coding-DNA position 538, G replaced by A.
Protein change: p.Asp180Asn; replaces aspartic acid 180 with asparagine.
Molecular consequence: missense variant. On other transcripts: 5 prime UTR variant (1), intron variant (2).
Genome position (GRCh38, 1-based): chr2:47,795,974, G>A. VCF-style: chr2-47795974-G-A. GRCh37 (hg19) VCF-style: chr2-48023113-G-A.
Other names: c.-365G>A (NM_001281494.2); c.-279-2637G>A (NM_001281493.2); c.238-2637G>A (NM_001281492.2); short protein forms D180N.
Identifiers: ClinVar variation 525599 (VCV000525599.12), dbSNP rs1553411440, ClinGen allele CA346738716.

ClinVar aggregate classification (germline): Uncertain significance. Review status: criteria provided, multiple submitters, no conflicts (2 of 4 stars). 3 submissions from 3 submitters: Uncertain significance (3). Last evaluated 2024-11-16.

Conditions:
Hereditary nonpolyposis colorectal neoplasms. Identifiers: MedGen C0009405, MeSH D003123.
Hereditary cancer-predisposing syndrome. Also called: Neoplastic Syndromes, Hereditary; Tumor predisposition; Hereditary Cancer Syndrome; Hereditary neoplastic syndrome. Identifiers: Orphanet 140162, MedGen C0027672, MeSH D009386, MONDO:0015356.

Submissions (3):

Ambry Genetics
Classification: Uncertain significance for Hereditary cancer-predisposing syndrome. Last evaluated: 2024-11-16. Review status: criteria provided, single submitter. Criteria: Ambry Variant Classification Scheme 2023. Collection method: clinical testing. Allele origin: germline.
Comment: The p.D180N variant (also known as c.538G>A), located in coding exon 3 of the MSH6 gene, results from a G to A substitution at nucleotide position 538. The aspartic acid at codon 180 is replaced by asparagine, an amino acid with highly similar properties. This amino acid position is conserved. In addition, this alteration is predicted to be tolerated by in silico analysis. Based on the available evidence, the clinical significance of this variant remains unclear.

Labcorp Genetics (formerly Invitae), Labcorp
Classification: Uncertain significance for Hereditary nonpolyposis colorectal neoplasms. Last evaluated: 2023-10-19. Review status: criteria provided, single submitter. Criteria: Invitae Variant Classification Sherloc (09022015). Collection method: clinical testing. Allele origin: germline.
Comment: This sequence change replaces aspartic acid, which is acidic and polar, with asparagine, which is neutral and polar, at codon 180 of the MSH6 protein (p.Asp180Asn). This variant is not present in population databases (gnomAD no frequency). This variant has not been reported in the literature in individuals affected with MSH6-related conditions. ClinVar contains an entry for this variant (Variation ID: 525599). Advanced modeling of protein sequence and biophysical properties (such as structural, functional, and spatial information, amino acid conservation, physicochemical variation, residue mobility, and thermodynamic stability) performed at Invitae indicates that this missense variant is not expected to disrupt MSH6 protein function. In summary, the available evidence is currently insufficient to determine the role of this variant in disease. Therefore, it has been classified as a Variant of Uncertain Significance.

Color Diagnostics, LLC DBA Color Health
Classification: Uncertain significance for Hereditary cancer-predisposing syndrome. Last evaluated: 2019-08-07. Review status: criteria provided, single submitter. Criteria: ACMG Guidelines, 2015. Collection method: clinical testing. Allele origin: germline.
Comment: This missense variant replaces aspartic acid with asparagine at codon 180 of the MSH6 protein. Computational prediction tools and conservation analyses are inconclusive regarding the impact of this variant on the protein function. Computational splicing tools suggest that this variant may not impact RNA splicing. To our knowledge, functional assays have not been performed for this variant nor has this variant been reported in individuals affected with hereditary cancer in the literature. This variant has not been identified in the general population by the Genome Aggregation Database (gnomAD). Available evidence is insufficient to determine the role of this variant in disease conclusively. Therefore, this variant is classified as a Variant of Uncertain Significance.